The following is an entry in ClinVar:

ClinVar aggregate classification (germline): Uncertain significance (1 of 4 stars; one submission).

Conditions:
Developmental and epileptic encephalopathy, 36 (DEE36). Also called: ALG13-CDG; Congenital disorder of glycosylation, type Is; Epileptic encephalopathy, early infantile, 36. Identifiers: Orphanet 324422, MedGen C4317295, MONDO:0010472, OMIM 300884.

Submission:

Labcorp Genetics (formerly Invitae), Labcorp
Classification: Uncertain significance for Developmental and epileptic encephalopathy, 36. Last evaluated: 2022-08-10. Review status: criteria provided, single submitter. Criteria: Invitae Variant Classification Sherloc (09022015). Collection method: clinical testing. Allele origin: germline.
Comment: This variant is a gross deletion of the genomic region encompassing exon(s) 20-21 of the ALG13 gene. This deletion is out-of-frame, and is expected to create a premature translational stop signal and result in an absent or disrupted protein product. However, the current clinical and genetic evidence is not sufficient to establish whether loss-of-function variants in ALG13 cause disease. In summary, the available evidence is currently insufficient to determine the role of this variant in disease. Therefore, it has been classified as a Variant of Uncertain Significance. This variant has not been reported in the literature in individuals affected with ALG13-related conditions.

NC_000023.10:g.(?_110973603)_(110973828_?)del

Gene: ALG13 (ALG13 UDP-N-acetylglucosaminyltransferase subunit; plus strand). Cytogenetic location: Xq23.
Variant type: Deletion.
Identifiers: ClinVar variation 2423700 (VCV002423700.6).